The following is an entry in ClinVar:

NM_001378902.1(ROS1):c.1135T>C (p.Ser379Pro)

Gene: ROS1 (ROS proto-oncogene 1, receptor tyrosine kinase; minus strand). Cytogenetic location: 6q22.1.
Variant type: single nucleotide variant.
Coding change: c.1135T>C on transcript NM_001378902.1 (MANE Select); coding-DNA position 1135, T replaced by C.
Protein change: p.Ser379Pro; replaces serine 379 with proline.
Molecular consequence: missense variant.
Genome position (GRCh38, 1-based): chr6:117,394,218, A>G on the plus strand (T>C on the coding strand, the complement: ROS1 is on the minus strand). VCF-style: chr6-117394218-A-G. GRCh37 (hg19) VCF-style: chr6-117715381-A-G.
Other names: c.1135T>C, p.Ser379Pro (NM_001378891.1); c.1108T>C, p.Ser370Pro (NM_002944.3); short protein forms S370P, S379P.
Identifiers: ClinVar variation 3034098 (VCV003034098.2), dbSNP rs56274823, ClinGen allele CA3975658.

ClinVar aggregate classification (germline): Likely benign (0 of 4 stars; one submission).

Conditions:
ROS1-related disorder. Also called: ROS1-related condition.

Allele frequency attached by ClinVar (database versions not stated): 1000 Genomes Project 30x 0.00094; 1000 Genomes Project 0.00100; ExAC 0.00165; gnomAD 0.00186; TOPMed 0.00193; ESP Exome Variant Server 0.00277; gnomAD exomes 0.00295.
gnomAD v4.1: 4,555 of 1,605,970 alleles (0.28%); highest among the groups gnomAD compares: Non-Finnish European, 0.35%; 10 homozygotes.

Submission:

PreventionGenetics, part of Exact Sciences
Classification: Likely benign for ROS1-related condition. Last evaluated: 2022-07-06. Review status: no assertion criteria provided. Collection method: clinical testing. Allele origin: germline.
Comment: This variant is classified as likely benign based on ACMG/AMP sequence variant interpretation guidelines (Richards et al. 2015 PMID: 25741868, with internal and published modifications).